The following is an entry in ClinVar:

NM_198123.2(CSMD3):c.8719A>T (p.Met2907Leu)

Gene: CSMD3 (CUB and Sushi multiple domains 3; minus strand). Cytogenetic location: 8q23.3.
Variant type: single nucleotide variant.
Coding change: c.8719A>T on transcript NM_198123.2 (MANE Select); coding-DNA position 8719, A replaced by T.
Protein change: p.Met2907Leu; replaces methionine 2907 with leucine.
Molecular consequence: missense variant.
Genome position (GRCh38, 1-based): chr8:112,292,606, T>A on the plus strand (A>T on the coding strand, the complement: CSMD3 is on the minus strand). VCF-style: chr8-112292606-T-A. GRCh37 (hg19) VCF-style: chr8-113304835-T-A.
Other names: c.8119A>T, p.Met2707Leu (NM_001363185.1); c.8212A>T, p.Met2738Leu (NM_052900.3); c.8599A>T, p.Met2867Leu (NM_198124.2); short protein forms M2867L, M2738L, M2907L, M2707L.
Identifiers: ClinVar variation 4996935 (VCV004996935.1).

ClinVar aggregate classification (germline): Uncertain significance (1 of 4 stars; one submission).

Conditions:
CSMD3-related disorder. Also called: CSMD3-related condition.

Submission:

PreventionGenetics, part of Exact Sciences
Classification: Uncertain significance for CSMD3-related condition. Last evaluated: 2025-05-22. Review status: criteria provided, single submitter. Criteria: ACMG Guidelines, 2015. Collection method: clinical testing. Allele origin: germline.
Comment: The CSMD3 c.8719A>T variant is predicted to result in the amino acid substitution p.Met2907Leu. To our knowledge, this variant has not been reported in the literature or in a large population database (gnomAD), indicating this variant is rare. At this time, the clinical significance of this variant is uncertain due to the absence of conclusive functional and genetic evidence.